The following is an entry in ClinVar:

ClinVar aggregate classification (germline): Uncertain significance (1 of 4 stars; one submission).

Submission:

Ambry Genetics
Classification: Uncertain significance. Last evaluated: 2025-02-10. Review status: criteria provided, single submitter. Criteria: Ambry Variant Classification Scheme 2023. Collection method: clinical testing. Allele origin: germline.
Comment: The p.H261Y variant (also known as c.781C>T), located in coding exon 5 of the ATRIP gene, results from a C to T substitution at nucleotide position 781. The histidine at codon 261 is replaced by tyrosine, an amino acid with similar properties. This amino acid position is conserved. In addition, this alteration is predicted to be tolerated by in silico analysis. Based on the available evidence, the clinical significance of this variant remains unclear.

NM_130384.3(ATRIP):c.781C>T (p.His261Tyr)

Genes: ATRIP (ATR interacting protein; plus strand), ATRIP-TREX1 (ATRIP-TREX1 readthrough; plus strand). Cytogenetic location: 3p21.31.
Variant type: single nucleotide variant.
Coding change: c.781C>T on transcript NM_130384.3 (MANE Select); coding-DNA position 781, C replaced by T.
Protein change: p.His261Tyr; replaces histidine 261 with tyrosine.
Molecular consequence: missense variant. On other transcripts: non-coding transcript variant (1).
Genome position (GRCh38, 1-based): chr3:48,457,368, C>T. VCF-style: chr3-48457368-C-T. GRCh37 (hg19) VCF-style: chr3-48498768-C-T.
Other names: c.400C>T, p.His134Tyr (NM_001271022.2); c.502C>T, p.His168Tyr (NM_001271023.2); c.781C>T, p.His261Tyr (NM_032166.4); short protein forms H261Y, H134Y, H168Y.
Identifiers: ClinVar variation 3810644 (VCV003810644.1).